The following is an entry in ClinVar:

ClinVar aggregate classification (germline): Uncertain significance (1 of 4 stars; one submission).

Allele frequency attached by ClinVar (database versions not stated): TOPMed below 0.00001; gnomAD 0.00001; gnomAD exomes 0.00001; ExAC 0.00002.
gnomAD v4.1: 9 of 1,613,922 alleles (0.00056%); highest among the groups gnomAD compares: South Asian, 0.0022%; no homozygotes.

Submission:

GeneDx
Classification: Uncertain significance. Last evaluated: 2020-01-27. Review status: criteria provided, single submitter. Criteria: GeneDx Variant Classification Process June 2021. Collection method: clinical testing. Allele origin: germline. Affected: yes.
Comment: Not observed at a significant frequency in large population cohorts (Lek et al., 2016); In silico analysis, which includes protein predictors and evolutionary conservation, supports that this variant does not alter protein structure/function; Has not been previously published as pathogenic or benign to our knowledge

NM_032322.4(RNF135):c.668C>T (p.Ala223Val)

Gene: RNF135 (ring finger protein 135; plus strand). Cytogenetic location: 17q11.2.
Variant type: single nucleotide variant.
Coding change: c.668C>T on transcript NM_032322.4 (MANE Select); coding-DNA position 668, C replaced by T.
Protein change: p.Ala223Val; replaces alanine 223 with valine.
Molecular consequence: missense variant. On other transcripts: intron variant (1).
Genome position (GRCh38, 1-based): chr17:30,988,095, C>T. VCF-style: chr17-30988095-C-T. GRCh37 (hg19) VCF-style: chr17-29315113-C-T.
Other names: c.668C>T, p.Ala223Val (NM_001184992.2); c.516+3335C>T (NM_197939.2); short protein forms A223V.
Identifiers: ClinVar variation 1314623 (VCV001314623.2), dbSNP rs558037808, ClinGen allele CA8485247.